The following is an entry in ClinVar:

ClinVar aggregate classification (germline): Uncertain significance. Review status: criteria provided, multiple submitters, no conflicts (2 of 4 stars). 2 submissions from 2 submitters: Uncertain significance (2). Last evaluated 2025-08-08.

Allele frequency attached by ClinVar (database versions not stated): gnomAD 0.00001; TOPMed 0.00002; ExAC 0.00004.
gnomAD v4.1: 8 of 1,541,622 alleles (0.00052%); highest among the groups gnomAD compares: African/African-American, 0.0071%; no homozygotes.

Submissions (2):

Ambry Genetics
Classification: Uncertain significance. Last evaluated: 2025-08-08. Review status: criteria provided, single submitter. Criteria: Ambry Variant Classification Scheme 2023. Collection method: clinical testing. Allele origin: germline.

Labcorp Genetics (formerly Invitae), Labcorp
Classification: Uncertain significance. Last evaluated: 2025-01-27. Review status: criteria provided, single submitter. Criteria: Invitae Variant Classification Sherloc (09022015). Collection method: clinical testing. Allele origin: germline.
Comment: This sequence change replaces phenylalanine, which is neutral and non-polar, with leucine, which is neutral and non-polar, at codon 29 of the EIF2AK1 protein (p.Phe29Leu). This variant is present in population databases (rs752151393, gnomAD 0.02%). This variant has not been reported in the literature in individuals affected with EIF2AK1-related conditions. ClinVar contains an entry for this variant (Variation ID: 2906851). An algorithm developed to predict the effect of missense changes on protein structure and function (PolyPhen-2) suggests that this variant is likely to be disruptive. In summary, the available evidence is currently insufficient to determine the role of this variant in disease. Therefore, it has been classified as a Variant of Uncertain Significance.

NM_014413.4(EIF2AK1):c.87T>G (p.Phe29Leu)

Genes: EIF2AK1 (eukaryotic translation initiation factor 2 alpha kinase 1; minus strand), LOC129997920 (ATAC-STARR-seq lymphoblastoid silent region 17933; plus strand). Cytogenetic location: 7p22.1.
Variant type: single nucleotide variant.
Coding change: c.87T>G on transcript NM_014413.4 (MANE Select); coding-DNA position 87, T replaced by G.
Protein change: p.Phe29Leu; replaces phenylalanine 29 with leucine.
Molecular consequence: missense variant.
Genome position (GRCh38, 1-based): chr7:6,058,997, A>C on the plus strand (T>G on the coding strand, the complement: EIF2AK1 is on the minus strand). VCF-style: chr7-6058997-A-C. GRCh37 (hg19) VCF-style: chr7-6098628-A-C.
Other names: c.87T>G (NM_014413.3); c.87T>G, p.Phe29Leu (NM_001134335.2); short protein forms F29L.
Identifiers: ClinVar variation 2906851 (VCV002906851.4), dbSNP rs752151393, ClinGen allele CA4151383.